The following is an entry in ClinVar:

ClinVar aggregate classification (germline): Uncertain significance (1 of 4 stars; one submission).

Conditions:
Agammaglobulinemia 2, autosomal recessive (AGM2). Also called: AGAMMAGLOBULINEMIA, AUTOSOMAL RECESSIVE, DUE TO IGLL1 DEFECT. Identifiers: MedGen C3150750, MONDO:0013287, OMIM 613500.

Allele frequency attached by ClinVar (database versions not stated): ExAC 0.00001; gnomAD 0.00001; gnomAD exomes 0.00001.
gnomAD v4.1: 15 of 1,613,730 alleles (0.00093%); highest among the groups gnomAD compares: Non-Finnish European, 0.0012%; no homozygotes.

Submission:

Labcorp Genetics (formerly Invitae), Labcorp
Classification: Uncertain significance for Agammaglobulinemia 2, autosomal recessive. Last evaluated: 2023-10-13. Review status: criteria provided, single submitter. Criteria: Invitae Variant Classification Sherloc (09022015). Collection method: clinical testing. Allele origin: germline.
Comment: This sequence change replaces threonine, which is neutral and polar, with asparagine, which is neutral and polar, at codon 113 of the IGLL1 protein (p.Thr113Asn). This variant is present in population databases (rs765704270, gnomAD 0.002%). This variant has not been reported in the literature in individuals affected with IGLL1-related conditions. ClinVar contains an entry for this variant (Variation ID: 1063380). An algorithm developed to predict the effect of missense changes on protein structure and function (PolyPhen-2) suggests that this variant is likely to be tolerated. In summary, the available evidence is currently insufficient to determine the role of this variant in disease. Therefore, it has been classified as a Variant of Uncertain Significance.

NM_020070.4(IGLL1):c.338C>A (p.Thr113Asn)

Gene: IGLL1 (immunoglobulin lambda like polypeptide 1; minus strand). Cytogenetic location: 22q11.23.
Variant type: single nucleotide variant.
Coding change: c.338C>A on transcript NM_020070.4 (MANE Select); coding-DNA position 338, C replaced by A.
Protein change: p.Thr113Asn; replaces threonine 113 with asparagine.
Molecular consequence: missense variant.
Genome position (GRCh38, 1-based): chr22:23,573,570, G>T on the plus strand (C>A on the coding strand, the complement: IGLL1 is on the minus strand). VCF-style: chr22-23573570-G-T. GRCh37 (hg19) VCF-style: chr22-23915757-G-T.
Other names: c.341C>A, p.Thr114Asn (NM_001369906.1); c.222C>A, p.His74Gln (NM_152855.3); short protein forms H74Q, T113N, T114N.
Identifiers: ClinVar variation 1063380 (VCV001063380.9), dbSNP rs765704270, ClinGen allele CA10143305.